The following is an entry in ClinVar:

NM_001080421.3(UNC13A):c.3498T>G (p.Gly1166=)

Gene: UNC13A (unc-13 homolog A; minus strand). Cytogenetic location: 19p13.11.
Variant type: single nucleotide variant.
Coding change: c.3498T>G on transcript NM_001080421.3 (MANE Select); coding-DNA position 3498, T replaced by G.
Protein change: p.Gly1166=; no amino-acid change (glycine 1166 retained).
Molecular consequence: synonymous variant.
Genome position (GRCh38, 1-based): chr19:17,630,681, A>C on the plus strand (T>G on the coding strand, the complement: UNC13A is on the minus strand). VCF-style: chr19-17630681-A-C. GRCh37 (hg19) VCF-style: chr19-17741490-A-C.
Other names: c.3492T>G, p.Gly1164= (NM_001387021.1, NM_001387022.1, NM_001387023.1).
Identifiers: ClinVar variation 3351404 (VCV003351404.1).

ClinVar aggregate classification (germline): Likely benign (0 of 4 stars; one submission).

Conditions:
UNC13A-related disorder. Also called: UNC13A-related condition.

gnomAD v4.1: 111 of 1,613,830 alleles (0.0069%); highest among the groups gnomAD compares: African/African-American, 0.14%; no homozygotes.

Submission:

PreventionGenetics, part of Exact Sciences
Classification: Likely benign for UNC13A-related condition. Last evaluated: 2024-05-08. Review status: no assertion criteria provided. Collection method: clinical testing. Allele origin: germline.
Comment: This variant is classified as likely benign based on ACMG/AMP sequence variant interpretation guidelines (Richards et al. 2015 PMID: 25741868, with internal and published modifications).